The following is an entry in ClinVar:

NM_006267.5(RANBP2):c.1070T>C (p.Met357Thr)

Gene: RANBP2 (RAN binding protein 2; plus strand). Cytogenetic location: 2q13.
Variant type: single nucleotide variant.
Coding change: c.1070T>C on transcript NM_006267.5 (MANE Select); coding-DNA position 1070, T replaced by C.
Protein change: p.Met357Thr; replaces methionine 357 with threonine.
Molecular consequence: missense variant.
Genome position (GRCh38, 1-based): chr2:108,748,926, T>C. VCF-style: chr2-108748926-T-C. GRCh37 (hg19) VCF-style: chr2-109365382-T-C.
Other names: short protein forms M357T.
Identifiers: ClinVar variation 1055650 (VCV001055650.5), dbSNP rs752527357, ClinGen allele CA1822219.

ClinVar aggregate classification (germline): Uncertain significance (1 of 4 stars; one submission).

Conditions:
Familial acute necrotizing encephalopathy (IIAE3). Also called: ENCEPHALOPATHY, ACUTE, INFECTION-INDUCED, SUSCEPTIBILITY TO, 3; Susceptibility to Acute Necrotizing Encephalopathy 1. Identifiers: Orphanet 88619, MedGen C2675556, MONDO:0011953, OMIM 608033.

Allele frequency attached by ClinVar (database versions not stated): gnomAD exomes below 0.00001 and 0.00001; ExAC 0.00001.
gnomAD v4.1: 3 of 1,611,994 alleles (0.00019%); highest among the groups gnomAD compares: South Asian, 0.0011%; no homozygotes.

Submission:

Labcorp Genetics (formerly Invitae), Labcorp
Classification: Uncertain significance for Familial acute necrotizing encephalopathy. Last evaluated: 2020-08-11. Review status: criteria provided, single submitter. Criteria: Invitae Variant Classification Sherloc (09022015). Collection method: clinical testing. Allele origin: germline.
Comment: In summary, the available evidence is currently insufficient to determine the role of this variant in disease. Therefore, it has been classified as a Variant of Uncertain Significance. Algorithms developed to predict the effect of missense changes on protein structure and function are either unavailable or do not agree on the potential impact of this missense change (SIFT: "Deleterious"; PolyPhen-2: "Benign"; Align-GVGD: "Class C65"). This variant has not been reported in the literature in individuals with RANBP2-related conditions. This variant is present in population databases (rs752527357, ExAC 0.006%). This sequence change replaces methionine with threonine at codon 357 of the RANBP2 protein (p.Met357Thr). The methionine residue is highly conserved and there is a moderate physicochemical difference between methionine and threonine.